The following is an entry in ClinVar:

NM_138694.4(PKHD1):c.7238G>A (p.Arg2413His)

Gene: PKHD1 (PKHD1 ciliary IPT domain containing fibrocystin/polyductin; minus strand). Cytogenetic location: 6p12.2.
Variant type: single nucleotide variant.
Coding change: c.7238G>A on transcript NM_138694.4 (MANE Select); coding-DNA position 7238, G replaced by A.
Protein change: p.Arg2413His; replaces arginine 2413 with histidine.
Molecular consequence: missense variant.
Genome position (GRCh38, 1-based): chr6:51,883,205, C>T on the plus strand (G>A on the coding strand, the complement: PKHD1 is on the minus strand). VCF-style: chr6-51883205-C-T. GRCh37 (hg19) VCF-style: chr6-51748003-C-T.
Other names: c.7238G>A, p.Arg2413His (NM_170724.3); short protein forms R2413H.
Identifiers: ClinVar variation 624248 (VCV000624248.71), dbSNP rs772219802, ClinGen allele CA3851990.

ClinVar aggregate classification (germline): Uncertain significance. Review status: criteria provided, multiple submitters, no conflicts (2 of 4 stars). 5 submissions from 5 submitters: Uncertain significance (4). 1 of the submissions does not count toward it. Last evaluated 2025-01-02.

Conditions:
Polycystic kidney disease 4 (PKD4). Also called: POLYCYSTIC KIDNEY DISEASE 4 WITH OR WITHOUT POLYCYSTIC LIVER DISEASE; POLYCYSTIC KIDNEY AND HEPATIC DISEASE 1; POLYCYSTIC KIDNEY DISEASE, INFANTILE, TYPE I; Autosomal Recessive Polycystic Kidney Disease – PKHD1; PKD3. Identifiers: MedGen C4540575, MONDO:0033004, OMIM 263200.
Autosomal dominant polycystic liver disease. Also called: Polycystic liver disease; Congenital cystic disease of liver. Identifiers: Orphanet 2924, MedGen C0158683, MONDO:0000447, HP:0006557.
Autosomal recessive polycystic kidney disease (ARPKD). Also called: AR polycystic kidney disease. Identifiers: Orphanet 731, Orphanet 8378, MedGen C0085548, MeSH D017044, MONDO:0009889.

Allele frequency attached by ClinVar (database versions not stated): ExAC 0.00002; TOPMed 0.00006; gnomAD 0.00009.
gnomAD v4.1: 71 of 1,613,136 alleles (0.0044%); highest among the groups gnomAD compares: African/African-American, 0.011%; no homozygotes.

Submissions (5):

GeneDx
Classification: Uncertain significance. Last evaluated: 2025-01-02. Review status: criteria provided, single submitter. Criteria: GeneDx Variant Classification Process June 2021. Collection method: clinical testing. Allele origin: germline. Affected: yes.
Comment: Not observed at significant frequency in large population cohorts (gnomAD); In silico analysis indicates that this missense variant does not alter protein structure/function; Has not been previously published as pathogenic or benign to our knowledge

Fulgent Genetics
Classification: Uncertain significance for Polycystic kidney disease 4. Last evaluated: 2024-06-03. Review status: criteria provided, single submitter. Criteria: ACMG Guidelines, 2015. Collection method: clinical testing. Allele origin: germline.

CeGaT Center for Human Genetics Tuebingen
Classification: Uncertain significance. Last evaluated: 2018-06-01. Review status: criteria provided, single submitter. Criteria: CeGaT Center For Human Genetics Tuebingen Variant Classification Criteria Version 2. Collection method: clinical testing. Allele origin: germline. Affected: yes. Observed: 1 variant allele.

Illumina Laboratory Services, Illumina
Classification: Uncertain significance for Polycystic kidney disease 4. Last evaluated: 2018-01-13. Review status: criteria provided, single submitter. Criteria: ICSL Variant Classification Criteria 13 December 2019. Collection method: clinical testing. Allele origin: germline.

Laboratory of Gastroenterology and Hepatology, Radboud University Medical Center
Classification: Likely benign for Autosomal dominant polycystic liver disease. Last evaluated: 2021-09-01. Review status: no assertion criteria provided. Collection method: research. Allele origin: germline. Affected: yes. Not counted in ClinVar's aggregate classification.